The following is an entry in ClinVar:

NM_004385.5(VCAN):c.2378T>C (p.Leu793Ser)

Gene: VCAN (versican; plus strand). Cytogenetic location: 5q14.3.
Variant type: single nucleotide variant.
Coding change: c.2378T>C on transcript NM_004385.5 (MANE Select); coding-DNA position 2378, T replaced by C.
Protein change: p.Leu793Ser; replaces leucine 793 with serine.
Molecular consequence: missense variant. On other transcripts: intron variant (2).
Genome position (GRCh38, 1-based): chr5:83,520,684, T>C. VCF-style: chr5-83520684-T-C. GRCh37 (hg19) VCF-style: chr5-82816503-T-C.
Other names: c.2378T>C, p.Leu793Ser (NM_001164098.2); c.1042+8288T>C (NM_001164097.2, NM_001126336.3); short protein forms L793S.
Identifiers: ClinVar variation 354406 (VCV000354406.16), dbSNP rs76165877, ClinGen allele CA3332831.
Genomic context (GRCh38, chr5:83,520,684, plus strand): 5'-CTCCAGGTACTACAAAATATGATGAAAATATTACAACAGTGCTTTTGGCCCATGGTACTT[T>C]AAGTGTTGAAGCAGCCACTGTATCAAAATGGTCATGGGATGAAGATAATACAACATCCAA-3'
Protein context (NP_004376.2, residues 783-803): ITTVLLAHGT[Leu793Ser]SVEAATVSKW

ClinVar aggregate classification (germline): Benign. Review status: criteria provided, multiple submitters, no conflicts (2 of 4 stars). 2 submissions from 2 submitters: Benign (2). Last evaluated 2026-02-03.

Conditions:
Vitreoretinopathy. Also called: Vitreoretinal degeneration. Identifiers: MedGen C0344290, MONDO:0020248, HP:0007773.

Allele frequency attached by ClinVar (database versions not stated): gnomAD exomes 0.00065 and 0.00193; ExAC 0.00247; gnomAD 0.00745 and 0.00793; TOPMed 0.00788; ESP Exome Variant Server 0.00869; 1000 Genomes Project 0.00998; 1000 Genomes Project 30x 0.01156.
gnomAD v4.1: 2,119 of 1,614,112 alleles (0.13%); highest among the groups gnomAD compares: African/African-American, 2.5%; 25 homozygotes.

Submissions (2):

Labcorp Genetics (formerly Invitae), Labcorp
Classification: Benign. Last evaluated: 2026-02-03. Review status: criteria provided, single submitter. Criteria: Invitae Variant Classification Sherloc (09022015). Collection method: clinical testing. Allele origin: germline.

Illumina Laboratory Services, Illumina
Classification: Benign for Vitreoretinopathy. Last evaluated: 2018-01-12. Review status: criteria provided, single submitter. Criteria: ICSL Variant Classification Criteria 13 December 2019. Collection method: clinical testing. Allele origin: germline.
Comment: This variant was observed in the ICSL laboratory as part of a predisposition screen in an ostensibly healthy population. It had not been previously curated by ICSL or reported in the Human Gene Mutation Database (HGMD: prior to June 1st, 2018), and was therefore a candidate for classification through an automated scoring system. Utilizing variant allele frequency, disease prevalence and penetrance estimates, and inheritance mode, an automated score was calculated to assess if this variant is too frequent to cause the disease. Based on the score and internal cut-off values, a variant classified as benign is not then subjected to further curation. The score for this variant resulted in a classification of benign for this disease.